The following is an entry in ClinVar:

ClinVar aggregate classification (germline): Uncertain significance. Review status: criteria provided, multiple submitters, no conflicts (2 of 4 stars). 3 submissions from 3 submitters: Uncertain significance (2). 1 of the submissions does not count toward it. Last evaluated 2025-07-30.

Conditions:
Pulmonary fibrosis and/or bone marrow failure, Telomere-related, 3. Also called: PULMONARY FIBROSIS AND/OR BONE MARROW FAILURE SYNDROME, TELOMERE-RELATED, 3. Identifiers: Orphanet 2032, MedGen C4225346, MONDO:0014613, OMIM 616373.
Dyskeratosis congenita, autosomal recessive 5 (DKCB5). Identifiers: MedGen C3554656, MONDO:0014076, OMIM 615190.
Inborn genetic diseases. Identifiers: MedGen C0950123, MeSH D030342.
Dyskeratosis congenita. Identifiers: Orphanet 1775, MedGen C0265965, MONDO:0015780.

Allele frequency attached by ClinVar (database versions not stated): ExAC 0.00001; gnomAD exomes 0.00001.
gnomAD v4.1: 9 of 1,610,194 alleles (0.00056%); highest among the groups gnomAD compares: South Asian, 0.0055%; no homozygotes.

Submissions (3):

Labcorp Genetics (formerly Invitae), Labcorp
Classification: Uncertain significance for Dyskeratosis congenita, autosomal recessive 5; Pulmonary fibrosis and/or bone marrow failure, Telomere-related, 3. Last evaluated: 2025-07-30. Review status: criteria provided, single submitter. Criteria: Invitae Variant Classification Sherloc (09022015). Collection method: clinical testing. Allele origin: germline.
Comment: This sequence change replaces alanine, which is neutral and non-polar, with valine, which is neutral and non-polar, at codon 584 of the RTEL1 protein (p.Ala584Val). This variant is present in population databases (rs779562019, gnomAD 0.007%). This variant has not been reported in the literature in individuals affected with RTEL1-related conditions. ClinVar contains an entry for this variant (Variation ID: 970780). An algorithm developed to predict the effect of missense changes on protein structure and function outputs the following: PolyPhen-2: "Benign". The valine amino acid residue is found in multiple mammalian species, which suggests that this missense change does not adversely affect protein function. In summary, the available evidence is currently insufficient to determine the role of this variant in disease. Therefore, it has been classified as a Variant of Uncertain Significance.

Ambry Genetics
Classification: Uncertain significance for Inborn genetic diseases. Last evaluated: 2024-11-18. Review status: criteria provided, single submitter. Criteria: Ambry Variant Classification Scheme 2023. Collection method: clinical testing. Allele origin: germline.
Comment: The p.A584V variant (also known as c.1751C>T), located in coding exon 20 of the RTEL1 gene, results from a C to T substitution at nucleotide position 1751. The alanine at codon 584 is replaced by valine, an amino acid with similar properties. This amino acid position is conserved. In addition, this alteration is predicted to be tolerated by in silico analysis. Based on the available evidence, the clinical significance of this variant remains unclear.

Natera, Inc.
Classification: Uncertain significance for Dyskeratosis congenita. Last evaluated: 2021-03-23. Review status: no assertion criteria provided. Collection method: clinical testing. Allele origin: germline. Not counted in ClinVar's aggregate classification.

NM_001283009.2(RTEL1):c.1751C>T (p.Ala584Val)

Genes: RTEL1-TNFRSF6B (RTEL1-TNFRSF6B readthrough (NMD candidate); plus strand), RTEL1 (regulator of telomere elongation helicase 1; plus strand). Cytogenetic location: 20q13.33.
Variant type: single nucleotide variant.
Coding change: c.1751C>T on transcript NM_001283009.2 (MANE Select); coding-DNA position 1751, C replaced by T.
Protein change: p.Ala584Val; replaces alanine 584 with valine.
Molecular consequence: missense variant. On other transcripts: non-coding transcript variant (1).
Genome position (GRCh38, 1-based): chr20:63,688,556, C>T. VCF-style: chr20-63688556-C-T. GRCh37 (hg19) VCF-style: chr20-62319909-C-T.
Other names: c.1082C>T, p.Ala361Val (NM_001283010.1); c.1751C>T, p.Ala584Val (NM_016434.4); c.1823C>T, p.Ala608Val (NM_032957.5); short protein forms A361V, A584V, A608V.
Identifiers: ClinVar variation 970780 (VCV000970780.6), dbSNP rs779562019, ClinGen allele CA9964966.